The following is an entry in ClinVar:

ClinVar aggregate classification (germline): Uncertain significance (1 of 4 stars; one submission).

Conditions:
Hypertrophic cardiomyopathy. Also called: HYPERTROPHIC MYOCARDIOPATHY. Identifiers: Orphanet 217569, MedGen C0007194, MeSH D002312, MONDO:0005045, HP:0001639.

Submission:

Labcorp Genetics (formerly Invitae), Labcorp
Classification: Uncertain significance for Hypertrophic cardiomyopathy. Last evaluated: 2021-03-23. Review status: criteria provided, single submitter. Criteria: Invitae Variant Classification Sherloc (09022015). Collection method: clinical testing. Allele origin: germline.
Comment: In summary, the available evidence is currently insufficient to determine the role of this variant in disease. Therefore, it has been classified as a Variant of Uncertain Significance. A computational algorithm designed to assess the pathogenicity of variants in MYH7 with regard to hypertrophic cardiomyopathy predicted this sequence change to be deleterious. The algorithm has a sensitivity of 94% and a specificity of 89% (PMID: 21310275). This variant is found within a region of MYH7 between codons 181 and 937 that contains the majority of the myosin head domain. Missense variants in this region have been shown to be significantly overrepresented in individuals with hypertrophic cardiomyopathy (PMID: 27532257). This variant has not been reported in the literature in individuals with MYH7-related disease. This variant is not present in population databases (ExAC no frequency). This sequence change replaces valine with alanine at codon 647 of the MYH7 protein (p.Val647Ala). The valine residue is highly conserved and there is a small physicochemical difference between valine and alanine.

Literature cited by the submitters: PubMed 21310275; PubMed 27532257.

NM_000257.4(MYH7):c.1940T>C (p.Val647Ala)

Gene: MYH7 (myosin heavy chain 7; minus strand). Cytogenetic location: 14q11.2.
Variant type: single nucleotide variant.
Coding change: c.1940T>C on transcript NM_000257.4 (MANE Select); coding-DNA position 1940, T replaced by C.
Protein change: p.Val647Ala; replaces valine 647 with alanine.
Molecular consequence: missense variant.
Genome position (GRCh38, 1-based): chr14:23,427,256, A>G on the plus strand (T>C on the coding strand, the complement: MYH7 is on the minus strand). VCF-style: chr14-23427256-A-G. GRCh37 (hg19) VCF-style: chr14-23896465-A-G.
Other names: short protein forms V647A.
Identifiers: ClinVar variation 566576 (VCV000566576.10), dbSNP rs1566533659, ClinGen allele CA389049487.